The following is an entry in ClinVar:

NM_000071.3(CBS):c.954+18C>G

Gene: CBS (cystathionine beta-synthase; minus strand). Cytogenetic location: 21q22.3.
Variant type: single nucleotide variant.
Coding change: c.954+18C>G on transcript NM_000071.3 (MANE Select); 18 bases into the intron after coding-DNA position 954, C replaced by G.
Molecular consequence: intron variant.
Genome position (GRCh38, 1-based): chr21:43,062,935, G>C on the plus strand (C>G on the coding strand, the complement: CBS is on the minus strand). VCF-style: chr21-43062935-G-C. GRCh37 (hg19) VCF-style: chr21-44483045-G-C.
Other names: c.954+18C>G (NM_001320298.2, NM_001178009.3, NM_001178008.3); c.639+18C>G (NM_001321072.1).
Identifiers: ClinVar variation 381909 (VCV000381909.4), dbSNP rs1057521202, ClinGen allele CA16609062.

ClinVar aggregate classification (germline): Likely benign. Review status: criteria provided, multiple submitters, no conflicts (2 of 4 stars). 2 submissions from 2 submitters: Likely benign (2). Last evaluated 2025-05-07.

Conditions:
HYPERHOMOCYSTEINEMIA, THROMBOTIC, CBS-RELATED. Identifiers: MedGen C3150344, OMIM 236200.

Submissions (2):

Labcorp Genetics (formerly Invitae), Labcorp
Classification: Likely benign for HYPERHOMOCYSTEINEMIA, THROMBOTIC, CBS-RELATED. Last evaluated: 2025-05-07. Review status: criteria provided, single submitter. Criteria: Invitae Variant Classification Sherloc (09022015). Collection method: clinical testing. Allele origin: germline.

GeneDx
Classification: Likely benign. Last evaluated: 2015-12-01. Review status: criteria provided, single submitter. Criteria: GeneDx Variant Classification (06012015). Collection method: clinical testing. Allele origin: germline. Affected: yes.
Comment: This variant is considered likely benign or benign based on one or more of the following criteria: it is a conservative change, it occurs at a poorly conserved position in the protein, it is predicted to be benign by multiple in silico algorithms, and/or has population frequency not consistent with disease.